The following is an entry in ClinVar:

ClinVar aggregate classification (germline): Uncertain significance (1 of 4 stars; one submission).

Submission:

GeneDx
Classification: Uncertain significance. Last evaluated: 2023-06-29. Review status: criteria provided, single submitter. Criteria: GeneDx Variant Classification Process June 2021. Collection method: clinical testing. Allele origin: germline. Affected: yes.
Comment: Not observed at significant frequency in large population cohorts (gnomAD); In silico analysis supports that this missense variant does not alter protein structure/function; Has not been previously published as pathogenic or benign to our knowledge

NM_002485.5(NBN):c.311G>A (p.Ser104Asn)

Gene: NBN (nibrin; minus strand). Cytogenetic location: 8q21.3.
Variant type: single nucleotide variant.
Coding change: c.311G>A on transcript NM_002485.5 (MANE Select); coding-DNA position 311, G replaced by A.
Protein change: p.Ser104Asn; replaces serine 104 with asparagine.
Molecular consequence: missense variant.
Genome position (GRCh38, 1-based): chr8:89,981,384, C>T on the plus strand (G>A on the coding strand, the complement: NBN is on the minus strand). VCF-style: chr8-89981384-C-T. GRCh37 (hg19) VCF-style: chr8-90993612-C-T.
Other names: c.65G>A, p.Ser22Asn (NM_001024688.3); short protein forms S104N, S22N.
Identifiers: ClinVar variation 3360631 (VCV003360631.1).